The following is an entry in ClinVar:

ClinVar aggregate classification (germline): Uncertain significance (1 of 4 stars; one submission).

Conditions:
Hereditary cancer-predisposing syndrome. Also called: Tumor predisposition; Hereditary neoplastic syndrome; Neoplastic Syndromes, Hereditary; Hereditary Cancer Syndrome. Identifiers: Orphanet 140162, MedGen C0027672, MeSH D009386, MONDO:0015356.

gnomAD v4.1: 1 of 1,614,200 alleles (0.000062%); highest among the groups gnomAD compares: Non-Finnish European, 0.000085%; no homozygotes.

Submission:

Ambry Genetics
Classification: Uncertain significance for Hereditary cancer-predisposing syndrome. Last evaluated: 2025-04-17. Review status: criteria provided, single submitter. Criteria: Ambry Variant Classification Scheme 2023. Collection method: clinical testing. Allele origin: germline.
Comment: The p.G283R variant (also known as c.847G>C), located in coding exon 7 of the EGFR gene, results from a G to C substitution at nucleotide position 847. The glycine at codon 283 is replaced by arginine, an amino acid with dissimilar properties. This amino acid position is conserved. In addition, this alteration is predicted to be deleterious by in silico analysis. Based on the available evidence, the clinical significance of this variant remains unclear.

NM_005228.5(EGFR):c.847G>C (p.Gly283Arg)

Gene: EGFR (epidermal growth factor receptor; plus strand). Cytogenetic location: 7p11.2.
Variant type: single nucleotide variant.
Coding change: c.847G>C on transcript NM_005228.5 (MANE Select); coding-DNA position 847, G replaced by C.
Protein change: p.Gly283Arg; replaces glycine 283 with arginine.
Molecular consequence: missense variant. On other transcripts: intron variant (1).
Genome position (GRCh38, 1-based): chr7:55,154,110, G>C. VCF-style: chr7-55154110-G-C. GRCh37 (hg19) VCF-style: chr7-55221803-G-C.
Other names: c.712G>C, p.Gly238Arg (NM_001346897.2, NM_001346899.2); c.847G>C, p.Gly283Arg (NM_001346898.2, NM_201282.2, NM_201283.2 and 1 more transcripts); c.688G>C, p.Gly230Arg (NM_001346900.2); c.89-1720G>C (NM_001346941.2); short protein forms G230R, G283R, G238R.
Identifiers: ClinVar variation 4016746 (VCV004016746.1).